The following is an entry in ClinVar:

NM_002608.4(PDGFB):c.214G>T (p.Glu72Ter)

Gene: PDGFB (platelet derived growth factor subunit B; minus strand). Cytogenetic location: 22q13.1.
Variant type: single nucleotide variant.
Coding change: c.214G>T on transcript NM_002608.4 (MANE Select); coding-DNA position 214, G replaced by T.
Protein change: p.Glu72Ter; replaces glutamic acid 72 with a stop codon.
Molecular consequence: nonsense.
Genome position (GRCh38, 1-based): chr22:39,233,471, C>A on the plus strand (G>T on the coding strand, the complement: PDGFB is on the minus strand). VCF-style: chr22-39233471-C-A. GRCh37 (hg19) VCF-style: chr22-39629476-C-A.
Other names: c.169G>T, p.Glu57Ter (NM_033016.3); short protein forms E57*, E72*.
Identifiers: ClinVar variation 4997286 (VCV004997286.1).

ClinVar aggregate classification (germline): Likely pathogenic (1 of 4 stars; one submission).

Conditions:
PDGFB-related disorder. Also called: PDGFB-related condition.

Submission:

PreventionGenetics, part of Exact Sciences
Classification: Likely pathogenic for PDGFB-related condition. Last evaluated: 2025-01-14. Review status: criteria provided, single submitter. Criteria: ACMG Guidelines, 2015. Collection method: clinical testing. Allele origin: germline.
Comment: The PDGFB c.214G>T variant is predicted to result in premature protein termination (p.Glu72*). To our knowledge, this variant has not been reported in the literature or in a large population database (gnomAD), indicating this variant is rare. Nonsense variants in PDGFB are expected to be pathogenic. This variant is interpreted as likely pathogenic.